The following is an entry in ClinVar:

ClinVar aggregate classification (germline): Likely benign. Review status: criteria provided, single submitter (1 of 4 stars). 2 submissions from 2 submitters: Likely benign (1). 1 of the submissions does not count toward it. Last evaluated 2025-08-01.

Conditions:
QRICH2-related disorder. Also called: QRICH2-related condition.

Allele frequency attached by ClinVar (database versions not stated): 1000 Genomes Project 0.00439; 1000 Genomes Project 30x 0.00484; ESP Exome Variant Server 0.00761.

Submissions (2):

CeGaT Center for Human Genetics Tuebingen
Classification: Likely benign. Last evaluated: 2025-08-01. Review status: criteria provided, single submitter. Criteria: CeGaT Center For Human Genetics Tuebingen Variant Classification Criteria Version 2. Collection method: clinical testing. Allele origin: germline. Affected: yes. Observed: 2 variant alleles.
Comment: QRICH2: BP4, BS2

PreventionGenetics, part of Exact Sciences
Classification: Benign for QRICH2-related condition. Last evaluated: 2019-05-19. Review status: no assertion criteria provided. Collection method: clinical testing. Allele origin: germline. Not counted in ClinVar's aggregate classification.
Comment: This variant is classified as benign based on ACMG/AMP sequence variant interpretation guidelines (Richards et al. 2015 PMID: 25741868, with internal and published modifications).

NM_001388453.1(QRICH2):c.1289G>A (p.Arg430Gln)

Gene: QRICH2 (glutamine rich 2; minus strand). Cytogenetic location: 17q25.1.
Variant type: single nucleotide variant.
Coding change: c.1289G>A on transcript NM_001388453.1 (MANE Select); coding-DNA position 1289, G replaced by A.
Protein change: p.Arg430Gln; replaces arginine 430 with glutamine.
Molecular consequence: missense variant.
Genome position (GRCh38, 1-based): chr17:76,293,438, C>T on the plus strand (G>A on the coding strand, the complement: QRICH2 is on the minus strand). VCF-style: chr17-76293438-C-T. GRCh37 (hg19) VCF-style: chr17-74289519-C-T.
Other names: c.1289G>A, p.Arg430Gln (NM_032134.3); c.791G>A (NM_032134.2); short protein forms R430Q.
Identifiers: ClinVar variation 2571004 (VCV002571004.28), dbSNP rs146697124, ClinGen allele CA8784314.